The following is an entry in ClinVar:

NM_016065.4(MRPS16):c.274+1del

Genes: DNAJC9-AS1 (DNAJC9 and MRPS16 antisense RNA 1; plus strand), MRPS16 (mitochondrial ribosomal protein S16; minus strand). Cytogenetic location: 10q22.2.
Variant type: Deletion.
Coding change: c.274+1del on transcript NM_016065.4 (MANE Select); the canonical splice donor site of the intron after coding-DNA position 274, one base deleted (G; older notation c.274+1delG).
Molecular consequence: splice donor variant.
Genome position (GRCh38, 1-based): chr10:73,251,762, C deleted on the plus strand (G on the coding strand, the reverse complement: MRPS16 is on the minus strand); the first of 3 consecutive C bases (chr10:73,251,762-73,251,764); deleting any one gives the same sequence. VCF-style (leftmost placement, unchanged base first): chr10-73251761-AC-A. GRCh37 (hg19) VCF-style: chr10-75011519-AC-A.
Other names: c.274+1del (NM_001410935.1); c.274+1delG (NM_016065.4).
Identifiers: ClinVar variation 4849297 (VCV004849297.1).

ClinVar aggregate classification (germline): Likely pathogenic (1 of 4 stars; one submission).

Conditions:
Combined oxidative phosphorylation defect type 2. Also called: CORPUS CALLOSUM, AGENESIS OF, WITH DYSMORPHISM AND FATAL LACTIC ACIDOSIS. Identifiers: Orphanet 254920, MedGen C1864843, MONDO:0012510, OMIM 610498.

Submission:

First Genomix Gene Laboratory, Genetic Diagnostics Department
Classification: Likely pathogenic for Combined oxidative phosphorylation defect type 2. Last evaluated: 2025-06-20. Review status: criteria provided, single submitter. Criteria: ACMG Guidelines, 2015. Collection method: clinical testing. Allele origin: germline. Inheritance: Autosomal recessive inheritance. Affected: no. Observed: 1 variant allele.